The following is an entry in ClinVar:

ClinVar aggregate classification (germline): Uncertain significance (1 of 4 stars; one submission).

Submission:

Labcorp Genetics (formerly Invitae), Labcorp
Classification: Uncertain significance. Last evaluated: 2022-07-05. Review status: criteria provided, single submitter. Criteria: Invitae Variant Classification Sherloc (09022015). Collection method: clinical testing. Allele origin: germline.
Comment: In summary, the available evidence is currently insufficient to determine the role of this variant in disease. Therefore, it has been classified as a Variant of Uncertain Significance. Algorithms developed to predict the effect of missense changes on protein structure and function are either unavailable or do not agree on the potential impact of this missense change (SIFT: "Deleterious"; PolyPhen-2: "Possibly Damaging"; Align-GVGD: "Class C0"). ClinVar contains an entry for this variant (Variation ID: 1486080). This variant has not been reported in the literature in individuals affected with TNFRSF6B-related conditions. This variant is not present in population databases (gnomAD no frequency). This sequence change replaces phenylalanine, which is neutral and non-polar, with serine, which is neutral and polar, at codon 119 of the TNFRSF6B protein (p.Phe119Ser).

NM_003823.4(TNFRSF6B):c.356T>C (p.Phe119Ser)

Genes: RTEL1-TNFRSF6B (RTEL1-TNFRSF6B readthrough (NMD candidate); plus strand), TNFRSF6B (TNF receptor superfamily member 6b; plus strand). Cytogenetic location: 20q13.33.
Variant type: single nucleotide variant.
Coding change: c.356T>C on transcript NM_003823.4 (MANE Select); coding-DNA position 356, T replaced by C.
Protein change: p.Phe119Ser; replaces phenylalanine 119 with serine.
Molecular consequence: missense variant. On other transcripts: non-coding transcript variant (1).
Genome position (GRCh38, 1-based): chr20:63,697,123, T>C. VCF-style: chr20-63697123-T-C. GRCh37 (hg19) VCF-style: chr20-62328476-T-C.
Other names: short protein forms F119S.
Identifiers: ClinVar variation 1486080 (VCV001486080.8), dbSNP rs1444446635, ClinGen allele CA409711271.
Genomic context (GRCh38, chr20:63,697,123, plus strand): 5'-AGGAGGAGGCACGGGCTTGCCACGCCACCCACAACCGTGCCTGCCGCTGCCGCACCGGCT[T>C]CTTCGCGCACGCTGGTTTCTGCTTGGAGCACGCATCGTGTCCACCTGGTGCCGGCGTGAT-3'
Protein context (NP_003814.1, residues 109-129): HNRACRCRTG[Phe119Ser]FAHAGFCLEH